The following is an entry in ClinVar:

ClinVar aggregate classification (germline): Uncertain significance (1 of 4 stars; one submission).

Conditions:
Inborn genetic diseases. Identifiers: MedGen C0950123, MeSH D030342.

Submission:

Ambry Genetics
Classification: Uncertain significance for Inborn genetic diseases. Last evaluated: 2025-10-14. Review status: criteria provided, single submitter. Criteria: Ambry Variant Classification Scheme 2023. Collection method: clinical testing. Allele origin: germline.
Comment: The p.E516G variant (also known as c.1547A>G), located in coding exon 7 of the MBD4 gene, results from an A to G substitution at nucleotide position 1547. The glutamic acid at codon 516 is replaced by glycine, an amino acid with similar properties. This amino acid position is conserved. In addition, this alteration is predicted to be deleterious by in silico analysis. Based on the available evidence, the clinical significance of this variant remains unclear.

NM_001276270.2(MBD4):c.1547A>G (p.Glu516Gly)

Gene: MBD4 (methyl-CpG binding domain 4, DNA glycosylase; minus strand). Cytogenetic location: 3q21.3.
Variant type: single nucleotide variant.
Coding change: c.1547A>G on transcript NM_001276270.2 (MANE Select); coding-DNA position 1547, A replaced by G.
Protein change: p.Glu516Gly; replaces glutamic acid 516 with glycine.
Molecular consequence: missense variant.
Genome position (GRCh38, 1-based): chr3:129,432,603, T>C on the plus strand (A>G on the coding strand, the complement: MBD4 is on the minus strand). VCF-style: chr3-129432603-T-C. GRCh37 (hg19) VCF-style: chr3-129151446-T-C.
Other names: c.1565A>G, p.Glu522Gly (NM_003925.3, NM_001276271.2, NM_001276272.2); c.611A>G, p.Glu204Gly (NM_001276273.2); short protein forms E204G, E516G, E522G.
Identifiers: ClinVar variation 4624402 (VCV004624402.1).
Genomic context (GRCh38, chr3:129,432,603, plus strand): 5'-TTGCCATATTTACCAATCCCATGAAGCTCAATTGGATACTTCCACTGCTTTGTCAGGTAT[T>C]CATCTGAAGAATACAACATCCCACATTATCAGGTCAGCTTCTAAAGACACCCTCCCAAAA-3'
Protein context (NP_001263199.1, residues 506-526): RAKTIVKFSD[Glu516Gly]YLTKQWKYPI